The following is an entry in ClinVar:

NM_001135651.3(EIF2AK2):c.550A>G (p.Thr184Ala)

Gene: EIF2AK2 (eukaryotic translation initiation factor 2 alpha kinase 2; minus strand). Cytogenetic location: 2p22.2.
Variant type: single nucleotide variant.
Coding change: c.550A>G on transcript NM_001135651.3 (MANE Select); coding-DNA position 550, A replaced by G.
Protein change: p.Thr184Ala; replaces threonine 184 with alanine.
Molecular consequence: missense variant.
Genome position (GRCh38, 1-based): chr2:37,138,552, T>C on the plus strand (A>G on the coding strand, the complement: EIF2AK2 is on the minus strand). VCF-style: chr2-37138552-T-C. GRCh37 (hg19) VCF-style: chr2-37365695-T-C.
Other names: c.550A>G, p.Thr184Ala (NM_001135652.3, NM_002759.4); short protein forms T184A.
Identifiers: ClinVar variation 2096970 (VCV002096970.4), dbSNP rs777019137, ClinGen allele CA1615298.

ClinVar aggregate classification (germline): Uncertain significance (1 of 4 stars; one submission).

Allele frequency attached by ClinVar (database versions not stated): gnomAD exomes below 0.00001; ExAC 0.00001; TOPMed 0.00001.
gnomAD v4.1: 2 of 1,614,156 alleles (0.00012%); highest among the groups gnomAD compares: Admixed American, 0.0017%; no homozygotes.

Submission:

Labcorp Genetics (formerly Invitae), Labcorp
Classification: Uncertain significance. Last evaluated: 2023-12-11. Review status: criteria provided, single submitter. Criteria: Invitae Variant Classification Sherloc (09022015). Collection method: clinical testing. Allele origin: germline.
Comment: This sequence change replaces threonine, which is neutral and polar, with alanine, which is neutral and non-polar, at codon 184 of the EIF2AK2 protein (p.Thr184Ala). This variant is present in population databases (rs777019137, gnomAD 0.003%). This variant has not been reported in the literature in individuals affected with EIF2AK2-related conditions. ClinVar contains an entry for this variant (Variation ID: 2096970). Algorithms developed to predict the effect of missense changes on protein structure and function output the following: SIFT: "Not Available"; PolyPhen-2: "Benign"; Align-GVGD: "Not Available". The alanine amino acid residue is found in multiple mammalian species, which suggests that this missense change does not adversely affect protein function. In summary, the available evidence is currently insufficient to determine the role of this variant in disease. Therefore, it has been classified as a Variant of Uncertain Significance.